The following is an entry in ClinVar:

ClinVar aggregate classification (germline): Uncertain significance (1 of 4 stars; one submission).

Allele frequency attached by ClinVar (database versions not stated): gnomAD exomes below 0.00001 and 0.00001.
gnomAD v4.1: 5 of 1,614,070 alleles (0.00031%); highest among the groups gnomAD compares: South Asian, 0.0055%; no homozygotes.

Submission:

Labcorp Genetics (formerly Invitae), Labcorp
Classification: Uncertain significance. Last evaluated: 2024-03-11. Review status: criteria provided, single submitter. Criteria: Invitae Variant Classification Sherloc (09022015). Collection method: clinical testing. Allele origin: germline.
Comment: This sequence change creates a premature translational stop signal (p.Lys910*) in the SH3PXD2B gene. While this is not anticipated to result in nonsense mediated decay, it is expected to disrupt the last 2 amino acid(s) of the SH3PXD2B protein. This variant is present in population databases (no rsID available, gnomAD 0.01%). This variant has not been reported in the literature in individuals affected with SH3PXD2B-related conditions. ClinVar contains an entry for this variant (Variation ID: 1517736). Experimental studies and prediction algorithms are not available or were not evaluated, and the functional significance of this variant is currently unknown. In summary, the available evidence is currently insufficient to determine the role of this variant in disease. Therefore, it has been classified as a Variant of Uncertain Significance.

NM_001017995.3(SH3PXD2B):c.2728A>T (p.Lys910Ter)

Gene: SH3PXD2B (SH3 and PX domains 2B; minus strand). Cytogenetic location: 5q35.1.
Variant type: single nucleotide variant.
Coding change: c.2728A>T on transcript NM_001017995.3 (MANE Select); coding-DNA position 2728, A replaced by T.
Protein change: p.Lys910Ter; replaces lysine 910 with a stop codon.
Molecular consequence: nonsense. On other transcripts: intron variant (1).
Genome position (GRCh38, 1-based): chr5:172,338,377, T>A on the plus strand (A>T on the coding strand, the complement: SH3PXD2B is on the minus strand). VCF-style: chr5-172338377-T-A. GRCh37 (hg19) VCF-style: chr5-171765381-T-A.
Other names: c.1188+7759A>T (NM_001308175.2); short protein forms K910*.
Identifiers: ClinVar variation 1517736 (VCV001517736.6), dbSNP rs1311349405, ClinGen allele CA362144785.